The following is an entry in ClinVar:

NM_001846.4(COL4A2):c.99+4A>G

Gene: COL4A2 (collagen type IV alpha 2 chain; plus strand). Cytogenetic location: 13q34.
Variant type: single nucleotide variant.
Coding change: c.99+4A>G on transcript NM_001846.4 (MANE Select); 4 bases into the intron after coding-DNA position 99, A replaced by G.
Molecular consequence: intron variant.
Genome position (GRCh38, 1-based): chr13:110,308,127, A>G. VCF-style: chr13-110308127-A-G. GRCh37 (hg19) VCF-style: chr13-110960474-A-G.
Identifiers: ClinVar variation 1435266 (VCV001435266.11), dbSNP rs200428476, ClinGen allele CA7048765.

ClinVar aggregate classification (germline): Conflicting classifications of pathogenicity. Review status: criteria provided, conflicting classifications (1 of 4 stars). 3 submissions from 3 submitters: Uncertain significance (1); Likely benign (2). Last evaluated 2026-02-01.

Allele frequency attached by ClinVar (database versions not stated): TOPMed 0.00025; gnomAD exomes 0.00026 and 0.00058; ExAC 0.00027; gnomAD 0.00029; ESP Exome Variant Server 0.00040.
gnomAD v4.1: 867 of 1,613,410 alleles (0.054%); highest among the groups gnomAD compares: Non-Finnish European, 0.069%; 1 homozygote.

Submissions (3):

CeGaT Center for Human Genetics Tuebingen
Classification: Likely benign. Last evaluated: 2026-02-01. Review status: criteria provided, single submitter. Criteria: CeGaT Center For Human Genetics Tuebingen Variant Classification Criteria Version 2. Collection method: clinical testing. Allele origin: germline. Affected: yes. Observed: 1 variant allele.
Comment: COL4A2: BP4

Blueprint Genetics
Classification: Likely benign. Last evaluated: 2024-10-07. Review status: criteria provided, single submitter. Criteria: ACMG Guidelines, 2015. Collection method: clinical testing. Allele origin: germline.

Labcorp Genetics (formerly Invitae), Labcorp
Classification: Uncertain significance. Last evaluated: 2024-08-31. Review status: criteria provided, single submitter. Criteria: Invitae Variant Classification Sherloc (09022015). Collection method: clinical testing. Allele origin: germline.
Comment: This sequence change falls in intron 3 of the COL4A2 gene. It does not directly change the encoded amino acid sequence of the COL4A2 protein. It affects a nucleotide within the consensus splice site. This variant is present in population databases (rs200428476, gnomAD 0.05%), and has an allele count higher than expected for a pathogenic variant. This variant has not been reported in the literature in individuals affected with COL4A2-related conditions. ClinVar contains an entry for this variant (Variation ID: 1435266). Variants that disrupt the consensus splice site are a relatively common cause of aberrant splicing (PMID: 17576681, 9536098). Algorithms developed to predict the effect of sequence changes on RNA splicing suggest that this variant is not likely to affect RNA splicing. In summary, the available evidence is currently insufficient to determine the role of this variant in disease. Therefore, it has been classified as a Variant of Uncertain Significance.

Literature cited by the submitters: PubMed 17576681 (cited by Labcorp Genetics (formerly Invitae), Labcorp); PubMed 9536098 (cited by Labcorp Genetics (formerly Invitae), Labcorp).